The following is an entry in ClinVar:

NM_000334.4(SCN4A):c.499A>T (p.Ile167Phe)

Gene: SCN4A (sodium voltage-gated channel alpha subunit 4; minus strand). Cytogenetic location: 17q23.3.
Variant type: single nucleotide variant.
Coding change: c.499A>T on transcript NM_000334.4 (MANE Select); coding-DNA position 499, A replaced by T.
Protein change: p.Ile167Phe; replaces isoleucine 167 with phenylalanine.
Molecular consequence: missense variant.
Genome position (GRCh38, 1-based): chr17:63,971,834, T>A on the plus strand (A>T on the coding strand, the complement: SCN4A is on the minus strand). VCF-style: chr17-63971834-T-A. GRCh37 (hg19) VCF-style: chr17-62049194-T-A.
Other names: short protein forms I167F.
Identifiers: ClinVar variation 2716271 (VCV002716271.4), dbSNP rs763133221, ClinGen allele CA8710126.
Genomic context (GRCh38, chr17:63,971,834, plus strand): 5'-TGAAGTCGTCGACACAGAAGCCTCGGGCCAGTATCTTGATGAGGGACTCAAAGGTGTAGA[T>A]CCCTGTGAAGGTGTACCTGGGGGGGAGAGGGCCGGCCGGGACAGGCATGTCACCTGGGTA-3'
Protein context (NP_000325.4, residues 157-177): SKNVEYTFTG[Ile167Phe]YTFESLIKIL

ClinVar aggregate classification (germline): Uncertain significance. Review status: criteria provided, multiple submitters, no conflicts (2 of 4 stars). 2 submissions from 2 submitters: Uncertain significance (2). Last evaluated 2023-10-20.

Conditions:
Hyperkalemic periodic paralysis. Also called: Familial hyperkalemic periodic paralysis; Gamstorp disease. Identifiers: Orphanet 682, MedGen C0238357, MONDO:0008224, OMIM 170500, HP:0007215.

Allele frequency attached by ClinVar (database versions not stated): gnomAD exomes 0.00004; ExAC 0.00005.
gnomAD v4.1: 51 of 1,613,476 alleles (0.0032%); highest among the groups gnomAD compares: South Asian, 0.054%; 1 homozygote.

Submissions (2):

Revvity Omics, Revvity
Classification: Uncertain significance. Last evaluated: 2023-10-20. Review status: criteria provided, single submitter. Criteria: ACMG Guidelines, 2015. Collection method: clinical testing. Allele origin: germline.

Labcorp Genetics (formerly Invitae), Labcorp
Classification: Uncertain significance for Hyperkalemic periodic paralysis. Last evaluated: 2023-06-23. Review status: criteria provided, single submitter. Criteria: Invitae Variant Classification Sherloc (09022015). Collection method: clinical testing. Allele origin: germline.
Comment: In summary, the available evidence is currently insufficient to determine the role of this variant in disease. Therefore, it has been classified as a Variant of Uncertain Significance. Advanced modeling of protein sequence and biophysical properties (such as structural, functional, and spatial information, amino acid conservation, physicochemical variation, residue mobility, and thermodynamic stability) performed at Invitae indicates that this missense variant is expected to disrupt SCN4A protein function. This variant has not been reported in the literature in individuals affected with SCN4A-related conditions. This variant is present in population databases (rs763133221, gnomAD 0.05%). This sequence change replaces isoleucine, which is neutral and non-polar, with phenylalanine, which is neutral and non-polar, at codon 167 of the SCN4A protein (p.Ile167Phe).